The following is an entry in ClinVar:

NM_000091.5(COL4A3):c.3236T>A (p.Met1079Lys)

Genes: COL4A3 (collagen type IV alpha 3 chain; plus strand), MFF-DT (MFF divergent transcript; minus strand). Cytogenetic location: 2q36.3.
Variant type: single nucleotide variant.
Coding change: c.3236T>A on transcript NM_000091.5 (MANE Select); coding-DNA position 3236, T replaced by A.
Protein change: p.Met1079Lys; replaces methionine 1079 with lysine.
Molecular consequence: missense variant.
Genome position (GRCh38, 1-based): chr2:227,293,216, T>A. VCF-style: chr2-227293216-T-A. GRCh37 (hg19) VCF-style: chr2-228157932-T-A.
Other names: short protein forms M1079K.
Identifiers: ClinVar variation 2375954 (VCV002375954.5), dbSNP rs762799043, ClinGen allele CA2147162.

ClinVar aggregate classification (germline): Uncertain significance. Review status: criteria provided, multiple submitters, no conflicts (2 of 4 stars). 3 submissions from 3 submitters: Uncertain significance (3). Last evaluated 2026-02-04.

Conditions:
COL4A3-related disorder. Also called: COL4A3-Related Disorders; COL4A3-related condition.
Inborn genetic diseases. Identifiers: MedGen C0950123, MeSH D030342.

Allele frequency attached by ClinVar (database versions not stated): gnomAD exomes below 0.00001; ExAC 0.00001; gnomAD 0.00001.

Submissions (3):

GeneDx
Classification: Uncertain significance. Last evaluated: 2026-02-04. Review status: criteria provided, single submitter. Criteria: GeneDx Variant Classification Process June 2021. Collection method: clinical testing. Allele origin: germline.
Comment: In silico analysis suggests that this missense variant does not alter protein structure/function; Occurs in the triple helical domain at the Y position in the canonical Gly-X-Y repeat; although this variant may have an effect on normal protein folding and function, missense substitution at the Y position is not a common mechanism of disease; Has not been previously published as pathogenic or benign to our knowledge

PreventionGenetics, part of Exact Sciences
Classification: Uncertain significance for COL4A3-related condition. Last evaluated: 2025-02-21. Review status: criteria provided, single submitter. Criteria: ACMG Guidelines, 2015. Collection method: clinical testing. Allele origin: germline.
Comment: The COL4A3 c.3236T>A variant is predicted to result in the amino acid substitution p.Met1079Lys. To our knowledge, this variant has not been reported in the literature. This variant is reported in 0.0058% of alleles in individuals of Latino descent in gnomAD. At this time, the clinical significance of this variant is uncertain due to the absence of conclusive functional and genetic evidence.

Ambry Genetics
Classification: Uncertain significance for Inborn genetic diseases. Last evaluated: 2021-09-16. Review status: criteria provided, single submitter. Criteria: Ambry Variant Classification Scheme 2023. Collection method: clinical testing. Allele origin: germline.